The following is an entry in ClinVar:

NM_000257.4(MYH7):c.5364_5366del (p.Gln1788_Thr1789delinsHis)

Gene: MYH7 (myosin heavy chain 7; minus strand). Cytogenetic location: 14q11.2.
Variant type: Deletion.
Coding change: c.5364_5366del on transcript NM_000257.4 (MANE Select); coding-DNA positions 5364 to 5366, 3 bases deleted (GAC; older notation c.5364_5366delGAC).
Protein change: p.Gln1788_Thr1789delinsHis.
Molecular consequence: inframe indel.
Genome position (GRCh38, 1-based): chr14:23,415,188-23,415,190, GTC deleted on the plus strand (GAC on the coding strand, the reverse complement: MYH7 is on the minus strand). VCF-style (leftmost placement, unchanged base first): chr14-23415187-GGTC-G. GRCh37 (hg19) VCF-style: chr14-23884396-GGTC-G.
Other names: c.5364_5366del (LRG_384t1).
Identifiers: ClinVar variation 234713 (VCV000234713.1), dbSNP rs876661179, ClinGen allele CA10577513.

ClinVar aggregate classification (germline): Likely pathogenic (1 of 4 stars; one submission).

Submission:

GeneDx
Classification: Likely pathogenic. Last evaluated: 2016-01-13. Review status: criteria provided, single submitter. Criteria: GeneDx Variant Classification (06012015). Collection method: clinical testing. Allele origin: germline. Affected: yes.
Comment: The c.5364_5366delGACins30 variant in the MYH7 gene has not been reported previously as a pathogenic variant, nor as a benign variant, to our knowledge. The c.5364_5366delGACins30 variant results in the replacement of 2 normal amnio acids with 11 incorrect amnio acids, denoted p.Gln1788_Thr1789delins11. The c.5364_5366delGACins30 variant was not observed in approximately 6,500 individuals of European and African American ancestry in the NHLBI Exome Sequencing Project, indicating it is not a common benign variant in these populations. This substitution occurs at a position that is conserved across species. Missense variants in nearby residues (D1792G, L1793P, Q1794E) have been reported in the Human Gene Mutation Database in association with MYH7-related disorder (Stenson et al., 2014), supporting the functional importance of this region of the protein. The c.5364_5366delGACins30 variant is a strong candidate for a pathogenic variant